The following is an entry in ClinVar:

NM_172364.5(CACNA2D4):c.1714C>A (p.Pro572Thr)

Gene: CACNA2D4 (calcium voltage-gated channel auxiliary subunit alpha2delta 4; minus strand). Cytogenetic location: 12p13.33.
Variant type: single nucleotide variant.
Coding change: c.1714C>A on transcript NM_172364.5 (MANE Select); coding-DNA position 1714, C replaced by A.
Protein change: p.Pro572Thr; replaces proline 572 with threonine.
Molecular consequence: missense variant.
Genome position (GRCh38, 1-based): chr12:1,878,320, G>T on the plus strand (C>A on the coding strand, the complement: CACNA2D4 is on the minus strand). VCF-style: chr12-1878320-G-T. GRCh37 (hg19) VCF-style: chr12-1987486-G-T.
Other names: short protein forms P572T.
Identifiers: ClinVar variation 1345252 (VCV001345252.7), dbSNP rs754970682, ClinGen allele CA6387027.

ClinVar aggregate classification (germline): Uncertain significance. Review status: criteria provided, multiple submitters, no conflicts (2 of 4 stars). 2 submissions from 2 submitters: Uncertain significance (2). Last evaluated 2025-10-13.

Allele frequency attached by ClinVar (database versions not stated): gnomAD exomes 0.00002 and 0.00011; gnomAD 0.00006; TOPMed 0.00007; ExAC 0.00014.
gnomAD v4.1: 33 of 1,608,922 alleles (0.0021%); highest among the groups gnomAD compares: East Asian, 0.074%; no homozygotes.

Submissions (2):

Labcorp Genetics (formerly Invitae), Labcorp
Classification: Uncertain significance. Last evaluated: 2025-10-13. Review status: criteria provided, single submitter. Criteria: Invitae Variant Classification Sherloc (09022015). Collection method: clinical testing. Allele origin: germline.
Comment: This sequence change replaces proline, which is neutral and non-polar, with threonine, which is neutral and polar, at codon 572 of the CACNA2D4 protein (p.Pro572Thr). This variant is present in population databases (rs754970682, gnomAD 0.2%), and has an allele count higher than expected for a pathogenic variant. This variant has not been reported in the literature in individuals affected with CACNA2D4-related conditions. ClinVar contains an entry for this variant (Variation ID: 1345252). An algorithm developed to predict the effect of missense changes on protein structure and function (PolyPhen-2) suggests that this variant is likely to be disruptive. In summary, the available evidence is currently insufficient to determine the role of this variant in disease. Therefore, it has been classified as a Variant of Uncertain Significance.

Blueprint Genetics
Classification: Uncertain significance. Last evaluated: 2022-11-18. Review status: criteria provided, single submitter. Criteria: ACMG Guidelines, 2015. Collection method: clinical testing. Allele origin: germline.